The following is an entry in ClinVar:

NM_018082.6(POLR3B):c.833dup (p.Thr279fs)

Gene: POLR3B (RNA polymerase III subunit B; plus strand). Cytogenetic location: 12q23.3.
Variant type: Duplication.
Coding change: c.833dup on transcript NM_018082.6 (MANE Select); coding-DNA position 833, one base duplicated (T; older notation c.833dupT).
Protein change: p.Thr279fs; shifts the reading frame from threonine 279.
Molecular consequence: frameshift variant.
Genome position (GRCh38, 1-based): chr12:106,393,140, T duplicated; the last of 4 consecutive T bases (chr12:106,393,137-106,393,140); duplicating any one gives the same sequence. VCF-style (leftmost placement, unchanged base first): chr12-106393136-A-AT. GRCh37 (hg19) VCF-style: chr12-106786914-A-AT.
Other names: c.659dup, p.Thr221fs (NM_001160708.2); short protein forms T221fs, T279fs.
Identifiers: ClinVar variation 2662581 (VCV002662581.2), dbSNP rs1261509815, ClinGen allele CA683191255.

ClinVar aggregate classification (germline): Pathogenic (1 of 4 stars; one submission).

Submission:

GeneDx
Classification: Pathogenic. Last evaluated: 2026-05-20. Review status: criteria provided, single submitter. Criteria: GeneDx Variant Classification Process June 2021. Collection method: clinical testing. Allele origin: germline.
Comment: Frameshift variant predicted to result in protein truncation or nonsense mediated decay in a gene for which loss of function is a known mechanism of disease; Not observed at significant frequency in large population cohorts (gnomAD); Has not been previously published as pathogenic or benign to our knowledge